The following is an entry in ClinVar:

ClinVar aggregate classification (germline): Uncertain significance (1 of 4 stars; one submission).

Conditions:
BBS10-related disorder. Also called: BBS10-related condition.

Submission:

PreventionGenetics, part of Exact Sciences
Classification: Uncertain significance for BBS10-related condition. Last evaluated: 2025-05-21. Review status: criteria provided, single submitter. Criteria: ACMG Guidelines, 2015. Collection method: clinical testing. Allele origin: germline.
Comment: The BBS10 c.607A>T variant is predicted to result in the amino acid substitution p.Thr203Ser. To our knowledge, this variant has not been reported in the literature or in a large population database (gnomAD), indicating this variant is rare. At this time, the clinical significance of this variant is uncertain due to the absence of conclusive functional and genetic evidence.

NM_024685.4(BBS10):c.607A>T (p.Thr203Ser)

Gene: BBS10 (Bardet-Biedl syndrome 10; minus strand). Cytogenetic location: 12q21.2.
Variant type: single nucleotide variant.
Coding change: c.607A>T on transcript NM_024685.4 (MANE Select); coding-DNA position 607, A replaced by T.
Protein change: p.Thr203Ser; replaces threonine 203 with serine.
Molecular consequence: missense variant.
Genome position (GRCh38, 1-based): chr12:76,347,378, T>A on the plus strand (A>T on the coding strand, the complement: BBS10 is on the minus strand). VCF-style: chr12-76347378-T-A. GRCh37 (hg19) VCF-style: chr12-76741158-T-A.
Other names: short protein forms T203S.
Identifiers: ClinVar variation 4998577 (VCV004998577.1).
Genomic context (GRCh38, chr12:76,347,378, plus strand): 5'-CATTCAACTCTACAAAATGGTCATCCACTAACTCAAATACACCAATCCCACTTTTACAAG[T>A]CATACACTTGAAAAAGTAGTCACACATCAACTGTGAAATAAATTTATGATTATTTCTTCC-3'
Protein context (NP_078961.3, residues 193-213): LMCDYFFKCM[Thr203Ser]CKSGIGVFEL